The following is an entry in ClinVar:

NM_152703.5(SAMD9L):c.479A>G (p.Gln160Arg)

Gene: SAMD9L (sterile alpha motif domain containing 9 like; minus strand). Cytogenetic location: 7q21.2.
Variant type: single nucleotide variant.
Coding change: c.479A>G on transcript NM_152703.5 (MANE Select); coding-DNA position 479, A replaced by G.
Protein change: p.Gln160Arg; replaces glutamine 160 with arginine.
Molecular consequence: missense variant.
Genome position (GRCh38, 1-based): chr7:93,135,493, T>C on the plus strand (A>G on the coding strand, the complement: SAMD9L is on the minus strand). VCF-style: chr7-93135493-T-C. GRCh37 (hg19) VCF-style: chr7-92764806-T-C.
Other names: c.479A>G, p.Gln160Arg (NM_001303496.3, NM_001303497.3, NM_001303498.3 and 5 more transcripts); c.479A>G (NM_152703.3, NM_152703.2); short protein forms Q160R.
Identifiers: ClinVar variation 2026476 (VCV002026476.6), dbSNP rs751863488, ClinGen allele CA4343864.
Genomic context (GRCh38, chr7:93,135,493, plus strand): 5'-TGTTCTATGTAGCGATGGCTGTCATGGAACTGATCAAAAGGATATGGCATACAAGTCAAT[T>C]GTTCAGGTTTTAGCTTACCCTTTTTCTTGTGTTTAGCATTTGCTACTTCATCTAACACAT-3'
Protein context (NP_689916.2, residues 150-170): HKKKGKLKPE[Gln160Arg]LTCMPYPFDQ

ClinVar aggregate classification (germline): Uncertain significance. Review status: criteria provided, multiple submitters, no conflicts (2 of 4 stars). 3 submissions from 3 submitters: Uncertain significance (3). Last evaluated 2025-08-10.

Conditions:
Inborn genetic diseases. Identifiers: MedGen C0950123, MeSH D030342.

Allele frequency attached by ClinVar (database versions not stated): ExAC 0.00001; TOPMed 0.00005; gnomAD 0.00007; gnomAD exomes 0.00001.
gnomAD v4.1: 18 of 1,614,070 alleles (0.0011%); highest among the groups gnomAD compares: African/African-American, 0.024%; no homozygotes.

Submissions (3):

Labcorp Genetics (formerly Invitae), Labcorp
Classification: Uncertain significance. Last evaluated: 2025-08-10. Review status: criteria provided, single submitter. Criteria: Invitae Variant Classification Sherloc (09022015). Collection method: clinical testing. Allele origin: germline.
Comment: This sequence change replaces glutamine, which is neutral and polar, with arginine, which is basic and polar, at codon 160 of the SAMD9L protein (p.Gln160Arg). This variant is present in population databases (rs751863488, gnomAD 0.01%). This variant has not been reported in the literature in individuals affected with SAMD9L-related conditions. ClinVar contains an entry for this variant (Variation ID: 2026476). An algorithm developed to predict the effect of missense changes on protein structure and function outputs the following: PolyPhen-2: "Benign". The arginine amino acid residue is found in multiple mammalian species, which suggests that this missense change does not adversely affect protein function. In summary, the available evidence is currently insufficient to determine the role of this variant in disease. Therefore, it has been classified as a Variant of Uncertain Significance.

Ambry Genetics
Classification: Uncertain significance for Inborn genetic diseases. Last evaluated: 2025-05-02. Review status: criteria provided, single submitter. Criteria: Ambry Variant Classification Scheme 2023. Collection method: clinical testing. Allele origin: germline.
Comment: The p.Q160R variant (also known as c.479A>G), located in coding exon 1 of the SAMD9L gene, results from an A to G substitution at nucleotide position 479. The glutamine at codon 160 is replaced by arginine, an amino acid with highly similar properties. This amino acid position is conserved. In addition, this alteration is predicted to be tolerated by in silico analysis. Based on the available evidence, the clinical significance of this variant remains unclear.

GeneDx
Classification: Uncertain significance. Last evaluated: 2024-08-27. Review status: criteria provided, single submitter. Criteria: GeneDx Variant Classification Process June 2021. Collection method: clinical testing. Allele origin: germline. Affected: yes.
Comment: In silico analysis indicates that this missense variant does not alter protein structure/function; Has not been previously published as pathogenic or benign to our knowledge